The following is an entry in ClinVar:

NM_004168.4(SDHA):c.154T>A (p.Ser52Thr)

Gene: SDHA (succinate dehydrogenase complex flavoprotein subunit A; plus strand). Cytogenetic location: 5p15.33.
Variant type: single nucleotide variant.
Coding change: c.154T>A on transcript NM_004168.4 (MANE Select); coding-DNA position 154, T replaced by A.
Protein change: p.Ser52Thr; replaces serine 52 with threonine.
Molecular consequence: missense variant.
Genome position (GRCh38, 1-based): chr5:224,363, T>A. VCF-style: chr5-224363-T-A. GRCh37 (hg19) VCF-style: chr5-224478-T-A.
Other names: c.154T>A, p.Ser52Thr (NM_001294332.2, NM_001330758.2); short protein forms S52T.
Identifiers: ClinVar variation 539680 (VCV000539680.16), dbSNP rs150326789, ClinGen allele CA3172743.
Genomic context (GRCh38, chr5:224,363, plus strand): 5'-TTCTTCATGTTTGGCATAGTGGAACATGTGATTGACAGGTGAATTTTTCTTTTCCAGATT[T>A]CTGCTCAGTATCCAGTAGTGGATCATGAATTTGATGCAGTGGTGGTAGGCGCTGGAGGGG-3'
Protein context (NP_004159.2, residues 42-62): RASAKVSDSI[Ser52Thr]AQYPVVDHEF

ClinVar aggregate classification (germline): Uncertain significance. Review status: criteria provided, multiple submitters, no conflicts (2 of 4 stars). 5 submissions from 5 submitters: Uncertain significance (5). Last evaluated 2026-01-07.

Conditions:
SDHA-related disorder. Also called: SDHA-related disorders; SDHA-related condition.
Dilated cardiomyopathy 1GG (CMD1GG). Identifiers: Orphanet 154, MedGen C3150898, MONDO:0013339, OMIM 613642.
Neurodegeneration with ataxia and late-onset optic atrophy. Identifiers: MedGen C5543254, MONDO:0031006, OMIM 619259.
Mitochondrial complex II deficiency, nuclear type 1. Also called: SUCCINATE CoQ REDUCTASE DEFICIENCY. Identifiers: Orphanet 3208, MedGen C5700310, MONDO:0100294, OMIM 252011.
Pheochromocytoma/paraganglioma syndrome 5. Also called: Paragangliomas 5; SDHA-Related Hereditary Paraganglioma-Pheochromocytoma Syndrome. Identifiers: Orphanet 29072, MedGen C3279992, MONDO:0013602, OMIM 614165.
Hereditary cancer-predisposing syndrome. Also called: Tumor predisposition; Hereditary neoplastic syndrome; Neoplastic Syndromes, Hereditary; Hereditary Cancer Syndrome. Identifiers: Orphanet 140162, MedGen C0027672, MeSH D009386, MONDO:0015356.

Allele frequency attached by ClinVar (database versions not stated): gnomAD exomes below 0.00001 and 0.00001; ExAC 0.00002; gnomAD 0.00003; TOPMed 0.00004; ESP Exome Variant Server 0.00008.
gnomAD v4.1: 9 of 1,613,084 alleles (0.00056%); highest among the groups gnomAD compares: African/African-American, 0.012%; no homozygotes.

Submissions (5):

Labcorp Genetics (formerly Invitae), Labcorp
Classification: Uncertain significance for Pheochromocytoma/paraganglioma syndrome 5; Mitochondrial complex II deficiency, nuclear type 1. Last evaluated: 2026-01-07. Review status: criteria provided, single submitter. Criteria: Invitae Variant Classification Sherloc (09022015). Collection method: clinical testing. Allele origin: germline.
Comment: This sequence change replaces serine, which is neutral and polar, with threonine, which is neutral and polar, at codon 52 of the SDHA protein (p.Ser52Thr). This variant is present in population databases (rs150326789, gnomAD 0.02%). This variant has not been reported in the literature in individuals affected with SDHA-related conditions. ClinVar contains an entry for this variant (Variation ID: 539680). Invitae Evidence Modeling of protein sequence and biophysical properties (such as structural, functional, and spatial information, amino acid conservation, physicochemical variation, residue mobility, and thermodynamic stability) indicates that this missense variant is not expected to disrupt SDHA protein function with a negative predictive value of 95%. In summary, the available evidence is currently insufficient to determine the role of this variant in disease. Therefore, it has been classified as a Variant of Uncertain Significance.

Ambry Genetics
Classification: Uncertain significance for Hereditary cancer-predisposing syndrome. Last evaluated: 2025-11-10. Review status: criteria provided, single submitter. Criteria: Ambry Variant Classification Scheme 2023. Collection method: clinical testing. Allele origin: germline.
Comment: The p.S52T variant (also known as c.154T>A), located in coding exon 3 of the SDHA gene, results from a T to A substitution at nucleotide position 154. The serine at codon 52 is replaced by threonine, an amino acid with similar properties. This amino acid position is highly conserved in available vertebrate species. In addition, the in silico prediction for this alteration is inconclusive. Since supporting evidence is limited at this time, the clinical significance of this alteration remains unclear.

PreventionGenetics, part of Exact Sciences
Classification: Uncertain significance for SDHA-related condition. Last evaluated: 2025-05-07. Review status: criteria provided, single submitter. Criteria: ACMG Guidelines, 2015. Collection method: clinical testing. Allele origin: germline.
Comment: The SDHA c.154T>A variant is predicted to result in the amino acid substitution p.Ser52Thr. To our knowledge, this variant has not been reported in the literature. This variant is reported in 0.020% of alleles in individuals of African descent in gnomAD and is reported with uncertain significance in ClinVar. At this time, the clinical significance of this variant is uncertain due to the absence of conclusive functional and genetic evidence.

Baylor Genetics
Classification: Uncertain significance for Dilated cardiomyopathy 1GG. Last evaluated: 2023-10-27. Review status: criteria provided, single submitter. Criteria: ACMG Guidelines, 2015. Collection method: clinical testing. Allele origin: unknown.

Fulgent Genetics
Classification: Uncertain significance for Mitochondrial complex II deficiency, nuclear type 1; Dilated cardiomyopathy 1GG; Pheochromocytoma/paraganglioma syndrome 5; Neurodegeneration with ataxia and late-onset optic atrophy. Last evaluated: 2021-09-20. Review status: criteria provided, single submitter. Criteria: ACMG Guidelines, 2015. Collection method: clinical testing. Allele origin: unknown.